The following is an entry in ClinVar:

NM_001318895.3(FHL2):c.337dup (p.Arg113fs)

Genes: C2orf49 (chromosome 2 open reading frame 49; plus strand), FHL2 (four and a half LIM domains 2; minus strand). Cytogenetic location: 2q12.2.
Variant type: Duplication.
Coding change: c.337dup on transcript NM_001318895.3 (MANE Select); coding-DNA position 337, one base duplicated (C; older notation c.337dupC).
Protein change: p.Arg113fs; shifts the reading frame from arginine 113.
Molecular consequence: frameshift variant. On other transcripts: 5 prime UTR variant (2).
Genome position (GRCh38, 1-based): chr2:105,367,734, G duplicated on the plus strand (C on the coding strand, the reverse complement: FHL2 is on the minus strand); the first of 3 consecutive G bases (chr2:105,367,734-105,367,736); duplicating any one gives the same sequence. VCF-style (leftmost placement, unchanged base first): chr2-105367733-C-CG. GRCh37 (hg19) VCF-style: chr2-105984190-C-CG.
Other names: c.337dup, p.Arg113fs (NM_001039492.3, NM_001318894.1, NM_001318896.2 and 4 more transcripts); c.-6dup (NM_001318897.2, NM_001318898.2); c.13dup, p.Arg5fs (NM_001318899.2); short protein forms R113fs, R5fs.
Identifiers: ClinVar variation 1491627 (VCV001491627.6), dbSNP rs2104507065, ClinGen allele CA2573132998.

ClinVar aggregate classification (germline): Uncertain significance (1 of 4 stars; one submission).

Conditions:
Primary dilated cardiomyopathy (DCM). Also called: Dilated Cardiomyopathy. Identifiers: Orphanet 217604, MedGen C0007193, MeSH D002311, MONDO:0005021, HP:0001644. Inheritance: Various modes of inheritance.

Submission:

Labcorp Genetics (formerly Invitae), Labcorp
Classification: Uncertain significance for Primary dilated cardiomyopathy. Last evaluated: 2021-09-19. Review status: criteria provided, single submitter. Criteria: Invitae Variant Classification Sherloc (09022015). Collection method: clinical testing. Allele origin: germline.
Comment: This sequence change creates a premature translational stop signal (p.Arg113Profs*12) in the FHL2 gene. It is expected to result in an absent or disrupted protein product. However, the current clinical and genetic evidence is not sufficient to establish whether loss-of-function variants in FHL2 cause disease. This variant is not present in population databases (ExAC no frequency). This variant has not been reported in the literature in individuals affected with FHL2-related conditions. In summary, the available evidence is currently insufficient to determine the role of this variant in disease. Therefore, it has been classified as a Variant of Uncertain Significance.